The following is an entry in ClinVar:

ClinVar aggregate classification (germline): Pathogenic/Likely pathogenic. Review status: criteria provided, multiple submitters, no conflicts (2 of 4 stars). 2 submissions from 2 submitters: Pathogenic (1); Likely pathogenic (1). Last evaluated 2023-07-16.

Conditions:
Familial thoracic aortic aneurysm and aortic dissection (TAAD). Also called: Thoracic aortic aneurysms and dissections. Identifiers: Orphanet 91387, MedGen C4707243, MONDO:0019625.
Marfan syndrome (MFS). Also called: Marfan syndrome type 1; Marfan syndrome, classic; Marfan's syndrome; FBN1-Related Marfan Syndrome; MARFAN SYNDROME, TYPE I. Identifiers: Orphanet 284963, Orphanet 558, MedGen C0024796, MONDO:0007947, OMIM 154700.

Submissions (2):

Labcorp Genetics (formerly Invitae), Labcorp
Classification: Pathogenic for Marfan syndrome; Familial thoracic aortic aneurysm and aortic dissection. Last evaluated: 2023-07-16. Review status: criteria provided, single submitter. Criteria: Invitae Variant Classification Sherloc (09022015). Collection method: clinical testing. Allele origin: germline.
Comment: This variant is not present in population databases (gnomAD no frequency). For these reasons, this variant has been classified as Pathogenic. This variant disrupts the p.Cys1806 amino acid residue in FBN1. Other variant(s) that disrupt this residue have been observed in individuals with FBN1-related conditions (PMID: 12402346, 26787436, 31730815), which suggests that this may be a clinically significant amino acid residue. This variant affects a cysteine residue in the EGF-like, TGFBP or hybrid motif domains of FBN1. Cysteine residues are believed to be involved in intramolecular disulfide bridges and have been shown to be important for FBN1 protein structure (PMID: 16905551, 19349279). In addition, missense substitutions affecting cysteine residues within these domains are significantly overrepresented among patients with Marfan syndrome (PMID: 16571647, 17701892). Advanced modeling of protein sequence and biophysical properties (such as structural, functional, and spatial information, amino acid conservation, physicochemical variation, residue mobility, and thermodynamic stability) performed at Invitae indicates that this missense variant is expected to disrupt FBN1 protein function. ClinVar contains an entry for this variant (Variation ID: 547331). This missense change has been observed in individual(s) with FBN1-related conditions (PMID: 27906200). This sequence change replaces cysteine, which is neutral and slightly polar, with arginine, which is basic and polar, at codon 1806 of the FBN1 protein (p.Cys1806Arg).

Center for Human Genetics, Inc
Classification: Likely pathogenic for Marfan syndrome. Last evaluated: 2016-11-01. Review status: criteria provided, single submitter. Criteria: ACMG Guidelines, 2015. Collection method: clinical testing. Allele origin: germline. Affected: yes.

Literature cited by the submitters: PubMed 12402346 (cited by Labcorp Genetics (formerly Invitae), Labcorp); PubMed 26787436 (cited by Labcorp Genetics (formerly Invitae), Labcorp); PubMed 31730815 (cited by Labcorp Genetics (formerly Invitae), Labcorp); PubMed 16905551 (cited by Labcorp Genetics (formerly Invitae), Labcorp); PubMed 19349279 (cited by Labcorp Genetics (formerly Invitae), Labcorp); PubMed 16571647 (cited by Labcorp Genetics (formerly Invitae), Labcorp); PubMed 17701892 (cited by Labcorp Genetics (formerly Invitae), Labcorp); PubMed 27906200 (cited by Labcorp Genetics (formerly Invitae), Labcorp).

NM_000138.5(FBN1):c.5416T>C (p.Cys1806Arg)

Gene: FBN1 (fibrillin 1; minus strand). Cytogenetic location: 15q21.1.
Variant type: single nucleotide variant.
Coding change: c.5416T>C on transcript NM_000138.5 (MANE Select); coding-DNA position 5416, T replaced by C.
Protein change: p.Cys1806Arg; replaces cysteine 1806 with arginine.
Molecular consequence: missense variant.
Genome position (GRCh38, 1-based): chr15:48,456,643, A>G on the plus strand (T>C on the coding strand, the complement: FBN1 is on the minus strand). VCF-style: chr15-48456643-A-G. GRCh37 (hg19) VCF-style: chr15-48748840-A-G.
Other names: short protein forms C1806R.
Identifiers: ClinVar variation 547331 (VCV000547331.4), dbSNP rs1555396419, ClinGen allele CA392345814.